The following is an entry in ClinVar:

NM_001013838.3(CARMIL2):c.4072C>T (p.Arg1358Trp)

Gene: CARMIL2 (capping protein regulator and myosin 1 linker 2; plus strand). Cytogenetic location: 16q22.1.
Variant type: single nucleotide variant.
Coding change: c.4072C>T on transcript NM_001013838.3 (MANE Select); coding-DNA position 4072, C replaced by T.
Protein change: p.Arg1358Trp; replaces arginine 1358 with tryptophan.
Molecular consequence: missense variant. On other transcripts: intron variant (1).
Genome position (GRCh38, 1-based): chr16:67,656,836, C>T. VCF-style: chr16-67656836-C-T. GRCh37 (hg19) VCF-style: chr16-67690739-C-T.
Other names: c.3928+191C>T (NM_001317026.3); short protein forms R1358W.
Identifiers: ClinVar variation 1372555 (VCV001372555.6), dbSNP rs957781186, ClinGen allele CA283214286.

ClinVar aggregate classification (germline): Uncertain significance (1 of 4 stars; one submission).

Allele frequency attached by ClinVar (database versions not stated): gnomAD exomes 0.00001.
gnomAD v4.1: 35 of 1,550,494 alleles (0.0023%); highest among the groups gnomAD compares: Non-Finnish European, 0.0029%; no homozygotes.

Submission:

Labcorp Genetics (formerly Invitae), Labcorp
Classification: Uncertain significance. Last evaluated: 2025-12-15. Review status: criteria provided, single submitter. Criteria: Invitae Variant Classification Sherloc (09022015). Collection method: clinical testing. Allele origin: germline.
Comment: This sequence change replaces arginine, which is basic and polar, with tryptophan, which is neutral and slightly polar, at codon 1358 of the CARMIL2 protein (p.Arg1358Trp). The frequency data for this variant in the population databases is considered unreliable, as metrics indicate poor data quality at this position in the gnomAD database. This variant has not been reported in the literature in individuals affected with CARMIL2-related conditions. ClinVar contains an entry for this variant (Variation ID: 1372555). An algorithm developed to predict the effect of missense changes on protein structure and function (PolyPhen-2) suggests that this variant is likely to be disruptive. Algorithms developed to predict the effect of sequence changes on RNA splicing suggest that this variant may disrupt the consensus splice site. In summary, the available evidence is currently insufficient to determine the role of this variant in disease. Therefore, it has been classified as a Variant of Uncertain Significance.